The following is an entry in ClinVar:

NM_001033855.3(DCLRE1C):c.780+6T>G

Gene: DCLRE1C (DNA cross-link repair 1C; minus strand). Cytogenetic location: 10p13.
Variant type: single nucleotide variant.
Coding change: c.780+6T>G on transcript NM_001033855.3 (MANE Select); 6 bases into the intron after coding-DNA position 780, T replaced by G.
Molecular consequence: intron variant.
Genome position (GRCh38, 1-based): chr10:14,932,848, A>C on the plus strand (T>G on the coding strand, the complement: DCLRE1C is on the minus strand). VCF-style: chr10-14932848-A-C. GRCh37 (hg19) VCF-style: chr10-14974847-A-C.
Other names: c.435+6T>G (NM_001350966.2, NM_001289078.2, NM_001289076.2 and 1 more transcripts); c.780+6T>G (NM_001350965.2); c.420+6T>G (NM_001350967.2, NM_001289077.2, NM_001289079.2 and 2 more transcripts).
Identifiers: ClinVar variation 968761 (VCV000968761.1), dbSNP rs745917460, ClinGen allele CA1139661395.

ClinVar aggregate classification (germline): Uncertain significance (1 of 4 stars; one submission).

Conditions:
Severe combined immunodeficiency due to DCLRE1C deficiency (RS-SCID). Also called: SCID, AUTOSOMAL RECESSIVE, T CELL-NEGATIVE, B CELL-NEGATIVE, NK CELL-POSITIVE, WITH SENSITIVITY TO IONIZING RADIATION. Identifiers: Orphanet 275, MedGen C1865371, MONDO:0011225, OMIM 602450.

Submission:

Labcorp Genetics (formerly Invitae), Labcorp
Classification: Uncertain significance for Severe combined immunodeficiency due to DCLRE1C deficiency. Last evaluated: 2019-11-14. Review status: criteria provided, single submitter. Criteria: Invitae Variant Classification Sherloc (09022015). Collection method: clinical testing. Allele origin: germline.
Comment: This sequence change falls in intron 9 of the DCLRE1C gene. It does not directly change the encoded amino acid sequence of the DCLRE1C protein, but it affects a nucleotide within the consensus splice site of the intron. This variant is not present in population databases (ExAC no frequency). This variant has not been reported in the literature in individuals with DCLRE1C-related conditions. Nucleotide substitutions within the consensus splice site are a relatively common cause of aberrant splicing (PMID: 17576681, 9536098). Algorithms developed to predict the effect of sequence changes on RNA splicing suggest that this variant is not likely to affect RNA splicing, but this prediction has not been confirmed by published transcriptional studies. In summary, the available evidence is currently insufficient to determine the role of this variant in disease. Therefore, it has been classified as a Variant of Uncertain Significance.